The following is an entry in ClinVar:

ClinVar aggregate classification (germline): Benign/Likely benign. Review status: criteria provided, multiple submitters, no conflicts (2 of 4 stars). 2 submissions from 2 submitters: Benign (1); Likely benign (1). Last evaluated 2026-01-28.

Conditions:
Telangiectasia, hereditary hemorrhagic, type 1 (HHT1). Also called: Osler Weber Rendu syndrome type 1; ENG-Related Hereditary Hemorrhagic Telangiectasia. Identifiers: Orphanet 774, MedGen C4551861, MONDO:0008535, OMIM 187300. Disease mechanism: loss of function.
Hereditary hemorrhagic telangiectasia (HHT). Also called: ORW DISEASE; Osler Weber Rendu syndrome; OSLER-RENDU-WEBER DISEASE; Osler hemorrhagic telangiectasia syndrome. Identifiers: Orphanet 774, MedGen C0039445, MONDO:0019180. Disease mechanism: loss of function.

Allele frequency attached by ClinVar (database versions not stated): TOPMed 0.00088; gnomAD exomes 0.00127; gnomAD 0.00080 and 0.00082; 1000 Genomes Project 0.00100; 1000 Genomes Project 30x 0.00109.
gnomAD v4.1: 701 of 603,220 alleles (0.12%); highest among the groups gnomAD compares: Non-Finnish European, 0.16%; 1 homozygote.

Submissions (2):

Labcorp Genetics (formerly Invitae), Labcorp
Classification: Benign for Hereditary hemorrhagic telangiectasia. Last evaluated: 2026-01-28. Review status: criteria provided, single submitter. Criteria: Invitae Variant Classification Sherloc (09022015). Collection method: clinical testing. Allele origin: germline.

Illumina Laboratory Services, Illumina
Classification: Likely benign for Telangiectasia, hereditary hemorrhagic, type 1. Last evaluated: 2018-01-13. Review status: criteria provided, single submitter. Criteria: ICSL Variant Classification Criteria 13 December 2019. Collection method: clinical testing. Allele origin: germline.
Comment: This variant was observed in the ICSL laboratory as part of a predisposition screen in an ostensibly healthy population. It had not been previously curated by ICSL or reported in the Human Gene Mutation Database (HGMD: prior to June 1st, 2018), and was therefore a candidate for classification through an automated scoring system. Utilizing variant allele frequency, disease prevalence and penetrance estimates, and inheritance mode, an automated score was calculated to assess if this variant is too frequent to cause the disease. Based on the score and internal cut-off values, a variant classified as likely benign is not then subjected to further curation. The score for this variant resulted in a classification of likely benign for this disease.

NM_001114753.3(ENG):c.-186G>A

Gene: ENG (endoglin; minus strand). Cytogenetic location: 9q34.11.
Variant type: single nucleotide variant.
Coding change: c.-186G>A on transcript NM_001114753.3 (MANE Select); 186 bases upstream of the start codon, G replaced by A.
Molecular consequence: 5 prime UTR variant.
Genome position (GRCh38, 1-based): chr9:127,854,541, C>T on the plus strand (G>A on the coding strand, the complement: ENG is on the minus strand). VCF-style: chr9-127854541-C-T. GRCh37 (hg19) VCF-style: chr9-130616820-C-T.
Other names: c.-186G>A (NM_000118.4, NM_001406715.1).
Identifiers: ClinVar variation 365102 (VCV000365102.13), dbSNP rs569618819, ClinGen allele CA10626469.
Genomic context (GRCh38, chr9:127,854,541, plus strand): 5'-CGTCCCTGCTCCAGCCTTCTGGGGTGGCGGCCGAGGGGTCAGGAGAAGTGGACACAGGGA[C>T]GCGGGGCTGGGCTGGAGTTGCTGTCCGAAGGATGGGCGGGGAGGGGGTGCTGGGCTCCAA-3'